The following is an entry in ClinVar:

ClinVar aggregate classification (germline): Uncertain significance (1 of 4 stars; one submission).

Conditions:
Cardiovascular phenotype. Identifiers: MedGen CN230736.

Submission:

Ambry Genetics
Classification: Uncertain significance for Cardiovascular phenotype. Last evaluated: 2025-04-12. Review status: criteria provided, single submitter. Criteria: Ambry Variant Classification Scheme 2023. Collection method: clinical testing. Allele origin: germline.
Comment: The p.E191Q variant (also known as c.571G>C), located in coding exon 4 of the FKBP14 gene, results from a G to C substitution at nucleotide position 571. The glutamic acid at codon 191 is replaced by glutamine, an amino acid with highly similar properties. This amino acid position is conserved. In addition, the in silico prediction for this alteration is inconclusive. Based on the available evidence, the clinical significance of this variant remains unclear.

NM_017946.4(FKBP14):c.571G>C (p.Glu191Gln)

Genes: FKBP14 (FKBP prolyl isomerase 14; minus strand), FKBP14-AS1 (FKBP14 antisense RNA 1; plus strand). Cytogenetic location: 7p14.3.
Variant type: single nucleotide variant.
Coding change: c.571G>C on transcript NM_017946.4 (MANE Select); coding-DNA position 571, G replaced by C.
Protein change: p.Glu191Gln; replaces glutamic acid 191 with glutamine.
Molecular consequence: missense variant. On other transcripts: non-coding transcript variant (2).
Genome position (GRCh38, 1-based): chr7:30,014,800, C>G on the plus strand (G>C on the coding strand, the complement: FKBP14 is on the minus strand). VCF-style: chr7-30014800-C-G. GRCh37 (hg19) VCF-style: chr7-30054416-C-G.
Other names: short protein forms E191Q.
Identifiers: ClinVar variation 4025181 (VCV004025181.1).